The following is an entry in ClinVar:

NM_000054.7(AVPR2):c.46_61del (p.Leu16fs)

Gene: AVPR2 (arginine vasopressin receptor 2; plus strand). Cytogenetic location: Xq28.
Variant type: Deletion.
Coding change: c.46_61del on transcript NM_000054.7 (MANE Select); coding-DNA positions 46 to 61, 16 bases deleted (CTGCCCAGCCTGCCCA).
Protein change: p.Leu16fs; shifts the reading frame from leucine 16.
Molecular consequence: frameshift variant.
Genome position (GRCh38, 1-based): chrX:153,905,552-153,905,567, CTGCCCAGCCTGCCCA deleted. VCF-style (leftmost placement, unchanged base first): chrX-153905551-TCTGCCCAGCCTGCCCA-T. GRCh37 (hg19) VCF-style: chrX-153171005-TCTGCCCAGCCTGCCCA-T.
Other names: c.46_61del, p.Leu16fs (NM_001146151.3); short protein forms L16fs.
Identifiers: ClinVar variation 2630891 (VCV002630891.1), dbSNP rs2521150530, ClinGen allele CA2695197145.

ClinVar aggregate classification (germline): Pathogenic (1 of 4 stars; one submission).

Conditions:
AVPR2-related disorder. Also called: AVPR2-related condition.

Submission:

PreventionGenetics, part of Exact Sciences
Classification: Pathogenic for AVPR2-related condition. Last evaluated: 2023-09-05. Review status: criteria provided, single submitter. Criteria: ACMG Guidelines, 2015. Collection method: clinical testing. Allele origin: germline.
Comment: The AVPR2 c.46_61del16 variant is predicted to result in a frameshift and premature protein termination (p.Leu16Alafs*16). To our knowledge, this variant has not been reported in the literature or in a large population database, indicating this variant is rare. Frameshift variants in AVPR2 are expected to be pathogenic. This variant is interpreted as pathogenic.